The following is an entry in ClinVar:

ClinVar aggregate classification (germline): Uncertain significance. Review status: criteria provided, multiple submitters, no conflicts (2 of 4 stars). 8 submissions from 8 submitters: Uncertain significance (8). Last evaluated 2026-04-28.

Conditions:
LRP2-related disorder. Also called: LRP2-related condition.
Donnai-Barrow syndrome. Also called: FACIOOCULOACOUSTICORENAL SYNDROME; DBS/FOAR SYNDROME. Identifiers: Orphanet 2143, MedGen C1857277, MONDO:0009104, OMIM 222448.

Allele frequency attached by ClinVar (database versions not stated): ExAC 0.00017; gnomAD exomes 0.00017 and 0.00023; TOPMed 0.00017; gnomAD 0.00021 and 0.00022; ESP Exome Variant Server 0.00023.
gnomAD v4.1: 367 of 1,613,864 alleles (0.023%); highest among the groups gnomAD compares: Non-Finnish European, 0.026%; no homozygotes.

Submissions (8):

PreventionGenetics, part of Exact Sciences
Classification: Uncertain significance for LRP2-related condition. Last evaluated: 2026-04-28. Review status: criteria provided, single submitter. Criteria: ACMG Guidelines, 2015. Collection method: clinical testing. Allele origin: germline.
Comment: The LRP2 c.9040C>T variant is predicted to result in the amino acid substitution p.Arg3014Trp. To our knowledge, this variant has not been reported in the literature. This variant is reported in 0.026% of alleles in individuals of European (Non-Finnish) descent in gnomAD. At this time, the clinical significance of this variant is uncertain due to the absence of conclusive functional and genetic evidence.

GeneDx
Classification: Uncertain significance. Last evaluated: 2026-02-24. Review status: criteria provided, single submitter. Criteria: GeneDx Variant Classification Process June 2021. Collection method: clinical testing. Allele origin: germline.
Comment: In silico analysis supports that this missense variant has a deleterious effect on protein structure/function; Has not been previously published as pathogenic or benign to our knowledge

Women's Health and Genetics/Laboratory Corporation of America, LabCorp
Classification: Uncertain significance. Last evaluated: 2025-03-17. Review status: criteria provided, single submitter. Criteria: LabCorp Variant Classification Summary - May 2015. Collection method: clinical testing. Allele origin: germline.
Comment: Variant summary: LRP2 c.9040C>T (p.Arg3014Trp) results in a non-conservative amino acid change in the encoded protein sequence. Two of four in-silico tools predict a benign effect of the variant on protein function. The variant allele was found at a frequency of 0.00017 in 250442 control chromosomes. This frequency is not significantly higher than estimated for a pathogenic variant in LRP2 causing Donnai Barrow Syndrome (0.00017 vs 0.0011), allowing no conclusion about variant significance. To our knowledge, no occurrence of c.9040C>T in individuals affected with Donnai Barrow Syndrome and no experimental evidence demonstrating its impact on protein function have been reported. ClinVar contains an entry for this variant (Variation ID: 332117). Based on the evidence outlined above, the variant was classified as uncertain significance.

Fulgent Genetics
Classification: Uncertain significance for Donnai-Barrow syndrome. Last evaluated: 2024-01-11. Review status: criteria provided, single submitter. Criteria: ACMG Guidelines, 2015. Collection method: clinical testing. Allele origin: germline.

Labcorp Genetics (formerly Invitae), Labcorp
Classification: Uncertain significance. Last evaluated: 2022-08-12. Review status: criteria provided, single submitter. Criteria: Invitae Variant Classification Sherloc (09022015). Collection method: clinical testing. Allele origin: germline.
Comment: This sequence change replaces arginine, which is basic and polar, with tryptophan, which is neutral and slightly polar, at codon 3014 of the LRP2 protein (p.Arg3014Trp). This variant is present in population databases (rs142093111, gnomAD 0.03%). This variant has not been reported in the literature in individuals affected with LRP2-related conditions. ClinVar contains an entry for this variant (Variation ID: 332117). Algorithms developed to predict the effect of missense changes on protein structure and function output the following: SIFT: "Deleterious"; PolyPhen-2: "Benign"; Align-GVGD: "Class C35". The tryptophan amino acid residue is found in multiple mammalian species, which suggests that this missense change does not adversely affect protein function. In summary, the available evidence is currently insufficient to determine the role of this variant in disease. Therefore, it has been classified as a Variant of Uncertain Significance.

Genome-Nilou Lab
Classification: Uncertain significance for Donnai-Barrow syndrome. Last evaluated: 2021-07-15. Review status: criteria provided, single submitter. Criteria: ACMG Guidelines, 2015. Collection method: clinical testing. Allele origin: germline. Affected: no.

Illumina Laboratory Services, Illumina
Classification: Uncertain significance for Donnai-Barrow syndrome. Last evaluated: 2018-01-12. Review status: criteria provided, single submitter. Criteria: ICSL Variant Classification Criteria 13 December 2019. Collection method: clinical testing. Allele origin: germline.

Genetic Services Laboratory, University of Chicago
Classification: Uncertain significance. Last evaluated: 2017-05-03. Review status: criteria provided, single submitter. Criteria: ACMG Guidelines, 2015. Collection method: clinical testing. Allele origin: germline. Affected: no.

NM_004525.3(LRP2):c.9040C>T (p.Arg3014Trp)

Gene: LRP2 (LDL receptor related protein 2; minus strand). Cytogenetic location: 2q31.1.
Variant type: single nucleotide variant.
Coding change: c.9040C>T on transcript NM_004525.3 (MANE Select); coding-DNA position 9040, C replaced by T.
Protein change: p.Arg3014Trp; replaces arginine 3014 with tryptophan.
Molecular consequence: missense variant.
Genome position (GRCh38, 1-based): chr2:169,188,258, G>A on the plus strand (C>T on the coding strand, the complement: LRP2 is on the minus strand). VCF-style: chr2-169188258-G-A. GRCh37 (hg19) VCF-style: chr2-170044768-G-A.
Other names: short protein forms R3014W.
Identifiers: ClinVar variation 332117 (VCV000332117.17), dbSNP rs142093111, ClinGen allele CA1953677.